The following is an entry in ClinVar:

ClinVar aggregate classification (germline): Uncertain significance. Review status: criteria provided, multiple submitters, no conflicts (2 of 4 stars). 2 submissions from 2 submitters: Uncertain significance (2). Last evaluated 2024-06-09.

Conditions:
Lymphatic malformation 3 (LMPHM3). Identifiers: Orphanet 79452, MedGen C4747646, MONDO:0013278, OMIM 613480.

Submissions (2):

GeneDx
Classification: Uncertain significance. Last evaluated: 2024-06-09. Review status: criteria provided, single submitter. Criteria: GeneDx Variant Classification Process June 2021. Collection method: clinical testing. Allele origin: germline. Affected: yes.
Comment: Not observed at significant frequency in large population cohorts (gnomAD); In silico analysis supports that this missense variant has a deleterious effect on protein structure/function; Has not been previously published as pathogenic or benign to our knowledge

Genomic Medicine Center of Excellence, King Faisal Specialist Hospital and Research Centre
Classification: Uncertain significance for Lymphatic malformation 3. Last evaluated: 2024-03-29. Review status: criteria provided, single submitter. Criteria: ACMG Guidelines, 2015. Collection method: clinical testing. Allele origin: germline.

NM_020435.4(GJC2):c.619G>A (p.Glu207Lys)

Gene: GJC2 (gap junction protein gamma 2; plus strand). Cytogenetic location: 1q42.13.
Variant type: single nucleotide variant.
Coding change: c.619G>A on transcript NM_020435.4 (MANE Select); coding-DNA position 619, G replaced by A.
Protein change: p.Glu207Lys; replaces glutamic acid 207 with lysine.
Molecular consequence: missense variant.
Genome position (GRCh38, 1-based): chr1:228,158,377, G>A. VCF-style: chr1-228158377-G-A. GRCh37 (hg19) VCF-style: chr1-228346078-G-A.
Other names: c.619G>A (NM_020435.3); short protein forms E207K.
Identifiers: ClinVar variation 3064707 (VCV003064707.2), dbSNP rs2527876773, ClinGen allele CA345098783.